The following is an entry in ClinVar:

NM_004656.4(BAP1):c.1117G>A (p.Glu373Lys)

Gene: BAP1 (BRCA1 associated deubiquitinase 1; minus strand). Cytogenetic location: 3p21.1.
Variant type: single nucleotide variant.
Coding change: c.1117G>A on transcript NM_004656.4 (MANE Select); coding-DNA position 1117, G replaced by A.
Protein change: p.Glu373Lys; replaces glutamic acid 373 with lysine.
Molecular consequence: missense variant.
Genome position (GRCh38, 1-based): chr3:52,404,586, C>T on the plus strand (G>A on the coding strand, the complement: BAP1 is on the minus strand). VCF-style: chr3-52404586-C-T. GRCh37 (hg19) VCF-style: chr3-52438602-C-T.
Other names: c.1063G>A, p.Glu355Lys (NM_001410772.1); short protein forms E355K, E373K.
Identifiers: ClinVar variation 2679895 (VCV002679895.3), dbSNP rs1383367199, ClinGen allele CA353103555.
Genomic context (GRCh38, chr3:52,404,586, plus strand): 5'-GCTGGGGTGGGCGGACTGGAACTCGGCTGCGGCCCACACCTGCCGCCAGGTCTTCTTCCT[C>T]CTGGGACAAAGACCAGGGCAGTTACAAACAAGTGCTGCTCGGCCCAGGCTGAGCCTAGAC-3'
Protein context (NP_004647.1, residues 363-383): NHNYAKSPMQ[Glu373Lys]EEDLAAGVGR

ClinVar aggregate classification (germline): Uncertain significance. Review status: criteria provided, multiple submitters, no conflicts (2 of 4 stars). 2 submissions from 2 submitters: Uncertain significance (2). Last evaluated 2025-01-23.

Conditions:
BAP1-related tumor predisposition syndrome (TPDS1). Also called: Tumor susceptibility linked to germline BAP1 mutations; BAP1 tumor predisposition syndrome; COMMON Syndrome; TUMOR PREDISPOSITION SYNDROME 1. Identifiers: Orphanet 289539, MedGen C3280492, MONDO:0013692, OMIM 614327.

Allele frequency attached by ClinVar (database versions not stated): gnomAD exomes below 0.00001.
gnomAD v4.1: 1 of 1,613,134 alleles (0.000062%); highest among the groups gnomAD compares: East Asian, 0.0022%; no homozygotes.

Submissions (2):

Labcorp Genetics (formerly Invitae), Labcorp
Classification: Uncertain significance for BAP1-related tumor predisposition syndrome. Last evaluated: 2025-01-23. Review status: criteria provided, single submitter. Criteria: Invitae Variant Classification Sherloc (09022015). Collection method: clinical testing. Allele origin: germline.
Comment: This sequence change replaces glutamic acid, which is acidic and polar, with lysine, which is basic and polar, at codon 373 of the BAP1 protein (p.Glu373Lys). This variant is present in population databases (no rsID available, gnomAD 0.006%). This variant has not been reported in the literature in individuals affected with BAP1-related conditions. ClinVar contains an entry for this variant (Variation ID: 2679895). An algorithm developed to predict the effect of missense changes on protein structure and function (PolyPhen-2) suggests that this variant is likely to be disruptive. Algorithms developed to predict the effect of sequence changes on RNA splicing suggest that this variant may create or strengthen a splice site. In summary, the available evidence is currently insufficient to determine the role of this variant in disease. Therefore, it has been classified as a Variant of Uncertain Significance.

Baylor Genetics
Classification: Uncertain significance for BAP1-related tumor predisposition syndrome. Last evaluated: 2023-10-16. Review status: criteria provided, single submitter. Criteria: ACMG Guidelines, 2015. Collection method: clinical testing. Allele origin: unknown.